The following is an entry in ClinVar:

ClinVar aggregate classification (germline): Uncertain significance (1 of 4 stars; one submission).

Conditions:
NRXN2-related disorder. Also called: NRXN2-related condition.

Allele frequency attached by ClinVar (database versions not stated): ExAC 0.00002.
gnomAD v4.1: 6 of 1,614,132 alleles (0.00037%); highest among the groups gnomAD compares: South Asian, 0.0022%; no homozygotes.

Submission:

PreventionGenetics, part of Exact Sciences
Classification: Uncertain significance for NRXN2-related condition. Last evaluated: 2023-01-12. Review status: criteria provided, single submitter. Criteria: ACMG Guidelines, 2015. Collection method: clinical testing. Allele origin: germline.
Comment: The NRXN2 c.2606G>A variant is predicted to result in the amino acid substitution p.Arg869Gln. To our knowledge, this variant has not been reported in the literature. This variant is reported in 0.0065% of alleles in individuals of South Asian descent in gnomAD. At this time, the clinical significance of this variant is uncertain due to the absence of conclusive functional and genetic evidence.

NM_015080.4(NRXN2):c.2606G>A (p.Arg869Gln)

Gene: NRXN2 (neurexin 2; minus strand). Cytogenetic location: 11q13.1.
Variant type: single nucleotide variant.
Coding change: c.2606G>A on transcript NM_015080.4 (MANE Select); coding-DNA position 2606, G replaced by A.
Protein change: p.Arg869Gln; replaces arginine 869 with glutamine.
Molecular consequence: missense variant.
Genome position (GRCh38, 1-based): chr11:64,651,567, C>T on the plus strand (G>A on the coding strand, the complement: NRXN2 is on the minus strand). VCF-style: chr11-64651567-C-T. GRCh37 (hg19) VCF-style: chr11-64419039-C-T.
Other names: c.2606G>A, p.Arg869Gln (NM_001376262.1); c.2585G>A, p.Arg862Gln (NM_001376263.1, NM_001376267.1); c.2561G>A, p.Arg854Gln (NM_001376265.1); c.2582G>A, p.Arg861Gln (NM_001376266.1); c.2486G>A, p.Arg829Gln (NM_138732.3); short protein forms R829Q, R854Q, R861Q, R862Q, R869Q.
Identifiers: ClinVar variation 2636894 (VCV002636894.1), dbSNP rs747715960, ClinGen allele CA6078118.
Genomic context (GRCh38, chr11:64,651,567, plus strand): 5'-CCATTGAACACGAGCCCACTCAGATGCCCGATGAAGTTGGAGGGCACCACGGAGATAAAC[C>T]GCCGCTCCGTCATGATGCCCGTCTCAATGTTGTGGAACTCCAGCCGCATATGGGCTCCTG-3'
Protein context (NP_055895.1, residues 859-879): NIETGIMTER[Arg869Gln]FISVVPSNFI